The following is an entry in ClinVar:

ClinVar aggregate classification (germline): Uncertain significance. Review status: criteria provided, multiple submitters, no conflicts (2 of 4 stars). 2 submissions from 2 submitters: Uncertain significance (2). Last evaluated 2023-06-18.

Conditions:
Cardiovascular phenotype. Identifiers: MedGen CN230736.
Catecholaminergic polymorphic ventricular tachycardia 1. Also called: VENTRICULAR TACHYCARDIA, CATECHOLAMINERGIC POLYMORPHIC, 1, WITH OR WITHOUT ATRIAL DYSFUNCTION AND/OR DILATED CARDIOMYOPATHY; RYR2-Related Catecholaminergic Polymorphic Ventricular Tachycardia; VENTRICULAR TACHYCARDIA, STRESS-INDUCED POLYMORPHIC 1. Identifiers: Orphanet 3286, MedGen C1631597, MONDO:0011484, OMIM 604772.

Allele frequency attached by ClinVar (database versions not stated): gnomAD exomes 0.00001; gnomAD 0.00002; TOPMed 0.00002.

Submissions (2):

Ambry Genetics
Classification: Uncertain significance for Cardiovascular phenotype. Last evaluated: 2023-06-18. Review status: criteria provided, single submitter. Criteria: Ambry Variant Classification Scheme 2023. Collection method: clinical testing. Allele origin: germline.
Comment: The p.A100V variant (also known as c.299C>T), located in coding exon 2 of the CASQ2 gene, results from a C to T substitution at nucleotide position 299. The alanine at codon 100 is replaced by valine, an amino acid with similar properties. This amino acid position is conserved. In addition, the in silico prediction for this alteration is inconclusive. Since supporting evidence is limited at this time, the clinical significance of this alteration remains unclear.

Labcorp Genetics (formerly Invitae), Labcorp
Classification: Uncertain significance for Catecholaminergic polymorphic ventricular tachycardia 1. Last evaluated: 2021-08-31. Review status: criteria provided, single submitter. Criteria: Invitae Variant Classification Sherloc (09022015). Collection method: clinical testing. Allele origin: germline.
Comment: This sequence change replaces alanine with valine at codon 100 of the CASQ2 protein (p.Ala100Val). The alanine residue is moderately conserved and there is a small physicochemical difference between alanine and valine. This variant is not present in population databases (ExAC no frequency). This variant has not been reported in the literature in individuals affected with CASQ2-related conditions. Algorithms developed to predict the effect of missense changes on protein structure and function (SIFT, PolyPhen-2, Align-GVGD) all suggest that this variant is likely to be tolerated. In summary, the available evidence is currently insufficient to determine the role of this variant in disease. Therefore, it has been classified as a Variant of Uncertain Significance.

NM_001232.4(CASQ2):c.299C>T (p.Ala100Val)

Gene: CASQ2 (calsequestrin 2; minus strand). Cytogenetic location: 1p13.1.
Variant type: single nucleotide variant.
Coding change: c.299C>T on transcript NM_001232.4 (MANE Select); coding-DNA position 299, C replaced by T.
Protein change: p.Ala100Val; replaces alanine 100 with valine.
Molecular consequence: missense variant.
Genome position (GRCh38, 1-based): chr1:115,744,848, G>A on the plus strand (C>T on the coding strand, the complement: CASQ2 is on the minus strand). VCF-style: chr1-115744848-G-A. GRCh37 (hg19) VCF-style: chr1-116287469-G-A.
Other names: short protein forms A100V.
Identifiers: ClinVar variation 2188786 (VCV002188786.3), dbSNP rs779074469, ClinGen allele CA29609772.